The following is an entry in ClinVar:

ClinVar aggregate classification (germline): Uncertain significance (1 of 4 stars; one submission).

gnomAD v4.1: 19 of 1,613,824 alleles (0.0012%); highest among the groups gnomAD compares: Admixed American, 0.028%; no homozygotes.

Submission:

Labcorp Genetics (formerly Invitae), Labcorp
Classification: Uncertain significance. Last evaluated: 2025-10-09. Review status: criteria provided, single submitter. Criteria: Invitae Variant Classification Sherloc (09022015). Collection method: clinical testing. Allele origin: germline.
Comment: This sequence change replaces arginine, which is basic and polar, with serine, which is neutral and polar, at codon 63 of the FGF14 protein (p.Arg63Ser). This variant is present in population databases (rs768229163, gnomAD 0.04%), and has an allele count higher than expected for a pathogenic variant. This variant has not been reported in the literature in individuals affected with FGF14-related conditions. Invitae Evidence Modeling of protein sequence and biophysical properties (such as structural, functional, and spatial information, amino acid conservation, physicochemical variation, residue mobility, and thermodynamic stability) indicates that this missense variant is not expected to disrupt FGF14 protein function with a negative predictive value of 80%. In summary, the available evidence is currently insufficient to determine the role of this variant in disease. Therefore, it has been classified as a Variant of Uncertain Significance.

NM_004115.4(FGF14):c.187C>A (p.Arg63Ser)

Gene: FGF14 (fibroblast growth factor 14; minus strand). Cytogenetic location: 13q33.1.
Variant type: single nucleotide variant.
Coding change: c.187C>A on transcript NM_004115.4 (MANE Select); coding-DNA position 187, C replaced by A.
Protein change: p.Arg63Ser; replaces arginine 63 with serine.
Molecular consequence: missense variant. On other transcripts: intron variant (21).
Genome position (GRCh38, 1-based): chr13:101,916,459, G>T on the plus strand (C>A on the coding strand, the complement: FGF14 is on the minus strand). VCF-style: chr13-101916459-G-T. GRCh37 (hg19) VCF-style: chr13-102568809-G-T.
Other names: c.53-41163C>A (NM_001321947.2); c.92-41163C>A (NM_001379342.1, NM_001321948.2, NM_001321945.2); c.-59-41163C>A (NM_001321946.2, NM_001321949.1, NM_001321943.1 and 4 more transcripts); c.14-41163C>A (NM_001321938.2, NM_001321940.1, NM_001321933.1); c.209-47631C>A (NM_001321939.2); c.209-41163C>A (NM_175929.3, NM_001321937.2); c.8-41163C>A (NM_001321941.2); c.5-41163C>A (NM_001321944.1, NM_001321936.1, NM_001321932.1); short protein forms R63S.
Identifiers: ClinVar variation 4705882 (VCV004705882.1).